The following is an entry in ClinVar:

ClinVar aggregate classification (germline): Uncertain significance. Review status: criteria provided, multiple submitters, no conflicts (2 of 4 stars). 2 submissions from 2 submitters: Uncertain significance (2). Last evaluated 2019-11-05.

Conditions:
Werner syndrome (WRN). Identifiers: Orphanet 902, MedGen C0043119, MONDO:0010196, OMIM 277700.

Allele frequency attached by ClinVar (database versions not stated): TOPMed below 0.00001; gnomAD 0.00001; gnomAD exomes 0.00001.
gnomAD v4.1: 12 of 1,612,864 alleles (0.00074%); highest among the groups gnomAD compares: Non-Finnish European, 0.001%; no homozygotes.

Submissions (2):

Labcorp Genetics (formerly Invitae), Labcorp
Classification: Uncertain significance for Werner syndrome. Last evaluated: 2019-11-05. Review status: criteria provided, single submitter. Criteria: Invitae Variant Classification Sherloc (09022015). Collection method: clinical testing. Allele origin: germline.
Comment: This sequence change replaces lysine with asparagine at codon 843 of the WRN protein (p.Lys843Asn). The lysine residue is highly conserved and there is a moderate physicochemical difference between lysine and asparagine. This variant is not present in population databases (ExAC no frequency). This variant has not been reported in the literature in individuals with WRN-related conditions. ClinVar contains an entry for this variant (Variation ID: 362807). Algorithms developed to predict the effect of missense changes on protein structure and function are either unavailable or do not agree on the potential impact of this missense change (SIFT: Tolerated; PolyPhen-2: Probably Damaging; Align-GVGD: Class C0). In summary, the available evidence is currently insufficient to determine the role of this variant in disease. Therefore, it has been classified as a Variant of Uncertain Significance.

Illumina Laboratory Services, Illumina
Classification: Uncertain significance for Werner syndrome. Last evaluated: 2018-01-13. Review status: criteria provided, single submitter. Criteria: ICSL Variant Classification Criteria 13 December 2019. Collection method: clinical testing. Allele origin: germline.

NM_000553.6(WRN):c.2529G>C (p.Lys843Asn)

Gene: WRN (WRN RecQ like helicase; plus strand). Cytogenetic location: 8p12.
Variant type: single nucleotide variant.
Coding change: c.2529G>C on transcript NM_000553.6 (MANE Select); coding-DNA position 2529, G replaced by C.
Protein change: p.Lys843Asn; replaces lysine 843 with asparagine.
Molecular consequence: missense variant.
Genome position (GRCh38, 1-based): chr8:31,120,323, G>C. VCF-style: chr8-31120323-G-C. GRCh37 (hg19) VCF-style: chr8-30977839-G-C.
Other names: short protein forms K843N.
Identifiers: ClinVar variation 362807 (VCV000362807.7), dbSNP rs886062889, ClinGen allele CA10627650.
Genomic context (GRCh38, chr8:31,120,323, plus strand): 5'-TTTTGGAATGGGCATTAATAAAGCTGACATTCGCCAAGTCATTCATTACGGTGCTCCTAA[G>C]GACATGGAATCATATTATCAGGAGATTGGTAGAGCTGGTCGTGATGGACTTCAAAGTTCT-3'
Protein context (NP_000544.2, residues 833-853): IRQVIHYGAP[Lys843Asn]DMESYYQEIG